The following is an entry in ClinVar:

ClinVar aggregate classification (germline): Pathogenic (1 of 4 stars; one submission).

Conditions:
Ellis-van Creveld syndrome (EVC). Also called: MESOECTODERMAL DYSPLASIA; Chondroectodermal dysplasia. Identifiers: Orphanet 289, MedGen C0013903, MONDO:0009162, OMIM 225500.

Submission:

Myriad Genetics, Inc.
Classification: Pathogenic for Ellis-van Creveld syndrome. Last evaluated: 2023-09-27. Review status: criteria provided, single submitter. Criteria: Myriad Autosomal Dominant, Autosomal Recessive and X-Linked Classification Criteria (2023). Collection method: clinical testing. Allele origin: unknown.
Comment: NM_153717.2(EVC):c.426dupC(Q145Afs*24) is expected to be pathogenic in the context of EVC-related Ellis-van Creveld syndrome. This variant is predicted to lead to an abnormal or absent protein product due to the creation of a premature termination codon in EVC, a gene where loss-of-function variants are known to be pathogenic. Please note: this variant was assessed in the context of healthy population screening.

NM_153717.3(EVC):c.426dup (p.Gln145fs)

Gene: EVC (EvC ciliary complex subunit 1; plus strand). Cytogenetic location: 4p16.2.
Variant type: Duplication.
Coding change: c.426dup on transcript NM_153717.3 (MANE Select); coding-DNA position 426, one base duplicated (C; older notation c.426dupC).
Protein change: p.Gln145fs; shifts the reading frame from glutamine 145.
Molecular consequence: frameshift variant.
Genome position (GRCh38, 1-based): chr4:5,731,466, C duplicated. VCF-style (leftmost placement, unchanged base first): chr4-5731465-A-AC. GRCh37 (hg19) VCF-style: chr4-5733192-A-AC.
Other names: c.426dup, p.Gln145fs (NM_001306090.2, NM_001306092.2); short protein forms Q145fs.
Identifiers: ClinVar variation 5011755 (VCV005011755.1).